The following is an entry in ClinVar:

ClinVar aggregate classification (germline): Benign/Likely benign. Review status: criteria provided, multiple submitters, no conflicts (2 of 4 stars). 2 submissions from 2 submitters: Benign (1); Likely benign (1). Last evaluated 2026-08-04.

Conditions:
Familial colorectal cancer type X. Identifiers: Orphanet 440437, MedGen C3896578, MONDO:0018604.

Allele frequency attached by ClinVar (database versions not stated): gnomAD 0.00001; TOPMed 0.00001.
gnomAD v4.1: 1 of 1,599,602 alleles (0.000063%); highest among the groups gnomAD compares: Non-Finnish European, 0.000085%; no homozygotes.

Submissions (2):

Myriad Genetics, Inc.
Classification: Benign for Familial colorectal cancer type X. Last evaluated: 2026-08-04. Review status: criteria provided, single submitter. Criteria: Myriad Autosomal Dominant, Autosomal Recessive and X-Linked Classification Criteria (2023). Collection method: clinical testing. Allele origin: unknown.
Comment: This variant is considered benign. This variant is a silent/synonymous amino acid change and it is not expected to impact splicing.

Ambry Genetics
Classification: Likely benign. Last evaluated: 2022-06-04. Review status: criteria provided, single submitter. Criteria: Ambry Variant Classification Scheme 2023. Collection method: clinical testing. Allele origin: germline.

NM_001023.4(RPS20):c.279T>C (p.Ser93=)

Gene: RPS20 (ribosomal protein S20; minus strand). Cytogenetic location: 8q12.1.
Variant type: single nucleotide variant.
Coding change: c.279T>C on transcript NM_001023.4 (MANE Select); coding-DNA position 279, T replaced by C.
Protein change: p.Ser93=; no amino-acid change (serine 93 retained).
Molecular consequence: synonymous variant.
Genome position (GRCh38, 1-based): chr8:56,073,171, A>G on the plus strand (T>C on the coding strand, the complement: RPS20 is on the minus strand). VCF-style: chr8-56073171-A-G. GRCh37 (hg19) VCF-style: chr8-56985730-A-G.
Other names: c.279T>C, p.Ser93= (NM_001146227.3).
Identifiers: ClinVar variation 1796150 (VCV001796150.3), dbSNP rs1185374239, ClinGen allele CA460824006.
Genomic context (GRCh38, chr8:56,073,171, plus strand): 5'-TTCCACCTCAACTCCTGGCTCAATACTGATGGAAGTAATCTGCTTAACAATCTCAGAAGG[A>G]CTGTGCAAGTCAATGAGTCGCTTGTGAATTCTCATCTGGAAACGATCCCACGTCTTAGAA-3'
Protein context (NP_001014.1, residues 83-103): RIHKRLIDLH[Ser93=]PSEIVKQITS